The following is an entry in ClinVar:

ClinVar aggregate classification (germline): Pathogenic (1 of 4 stars; one submission).

Submission:

Labcorp Genetics (formerly Invitae), Labcorp
Classification: Pathogenic. Last evaluated: 2022-03-12. Review status: criteria provided, single submitter. Criteria: Invitae Variant Classification Sherloc (09022015). Collection method: clinical testing. Allele origin: germline.
Comment: This variant has not been reported in the literature in individuals affected with COL2A1-related conditions. This variant is not present in population databases (gnomAD no frequency). This sequence change creates a premature translational stop signal (p.Gly717Valfs*71) in the COL2A1 gene. It is expected to result in an absent or disrupted protein product. Loss-of-function variants in COL2A1 are known to be pathogenic (PMID: 20179744). ClinVar contains an entry for this variant (Variation ID: 1070294). For these reasons, this variant has been classified as Pathogenic. Algorithms developed to predict the effect of sequence changes on RNA splicing suggest that this variant may create or strengthen a splice site.

Literature cited by the submitters: PubMed 20179744.

NM_001844.5(COL2A1):c.2150del (p.Gly717fs)

Gene: COL2A1 (collagen type II alpha 1 chain; minus strand). Cytogenetic location: 12q13.11.
Variant type: Deletion.
Coding change: c.2150del on transcript NM_001844.5 (MANE Select); coding-DNA position 2150, one base deleted (G; older notation c.2150delG).
Protein change: p.Gly717fs; shifts the reading frame from glycine 717.
Molecular consequence: frameshift variant.
Genome position (GRCh38, 1-based): chr12:47,982,891, C deleted on the plus strand (G on the coding strand, the reverse complement: COL2A1 is on the minus strand); the first of 3 consecutive C bases (chr12:47,982,891-47,982,893); deleting any one gives the same sequence. VCF-style (leftmost placement, unchanged base first): chr12-47982890-AC-A. GRCh37 (hg19) VCF-style: chr12-48376673-AC-A.
Other names: c.1943del, p.Gly648fs (NM_033150.3); short protein forms G648fs, G717fs.
Identifiers: ClinVar variation 1070294 (VCV001070294.7), dbSNP rs2136551308, ClinGen allele CA2499221666.